The following is an entry in ClinVar:

NM_000548.5(TSC2):c.775-1G>A

Gene: TSC2 (TSC complex subunit 2; plus strand). Cytogenetic location: 16p13.3.
Variant type: single nucleotide variant.
Coding change: c.775-1G>A on transcript NM_000548.5 (MANE Select); the canonical splice acceptor site of the intron before coding-DNA position 775, G replaced by A.
Molecular consequence: splice acceptor variant.
Genome position (GRCh38, 1-based): chr16:2,057,104, G>A. VCF-style: chr16-2057104-G-A. GRCh37 (hg19) VCF-style: chr16-2107105-G-A.
Other names: c.775-1G>A (NM_001077183.3, NM_001114382.3, NM_001406663.1 and 6 more transcripts); c.-538-1G>A (NM_001406694.1, NM_001406695.1); c.-657-1G>A (NM_001406696.1, NM_001406693.1, NM_001406689.1 and 4 more transcripts); c.763-1G>A (NM_001406671.1, NM_001406673.1); c.313-1G>A (NM_001406681.1); c.664-1G>A (NM_001406670.1, NM_001318827.2, NM_001406678.1); c.175-1G>A (NM_001406682.1, NM_001406684.1, NM_001406685.1 and 6 more transcripts); c.718-1G>A (NM_001406677.1); and 4 more.
Identifiers: ClinVar variation 49984 (VCV000049984.10), dbSNP rs45454192, ClinGen allele CA022965.

ClinVar aggregate classification (germline): Likely pathogenic. Review status: criteria provided, single submitter (1 of 4 stars). 2 submissions from 2 submitters: Likely pathogenic (1). 1 of the submissions does not count toward it. Last evaluated 2022-08-23.

Conditions:
Tuberous sclerosis syndrome (TSC). Also called: Tuberous Sclerosis Complex; Tuberous sclerosis. Identifiers: Orphanet 805, MedGen C0041341, MONDO:0001734.
Tuberous sclerosis 2 (TSC2). Identifiers: Orphanet 805, MedGen C1860707, MONDO:0013199, OMIM 613254.

Submissions (2):

Labcorp Genetics (formerly Invitae), Labcorp
Classification: Likely pathogenic for Tuberous sclerosis 2. Last evaluated: 2022-08-23. Review status: criteria provided, single submitter. Criteria: Invitae Variant Classification Sherloc (09022015). Collection method: clinical testing. Allele origin: germline.
Comment: This sequence change affects an acceptor splice site in intron 8 of the TSC2 gene. It is expected to disrupt RNA splicing. Variants that disrupt the donor or acceptor splice site typically lead to a loss of protein function (PMID: 16199547), and loss-of-function variants in TSC2 are known to be pathogenic (PMID: 10205261, 17304050). This variant is not present in population databases (gnomAD no frequency). Disruption of this splice site has been observed in individual(s) with tuberous sclerosis complex (PMID: 10205261). This variant is also known as 793-1G>A. ClinVar contains an entry for this variant (Variation ID: 49984). Algorithms developed to predict the effect of sequence changes on RNA splicing suggest that this variant may disrupt the consensus splice site. In summary, the currently available evidence indicates that the variant is pathogenic, but additional data are needed to prove that conclusively. Therefore, this variant has been classified as Likely Pathogenic.

Tuberous sclerosis database (TSC2)
No classification provided. Condition: TSC. Review status: no classification provided. Criteria: Tuberous Sclerosis Database Assertion Criteria 2015. Collection method: curation. Allele origin: germline. Affected: yes. Not counted in ClinVar's aggregate classification.

Literature cited by the submitters: PubMed 16199547 (cited by Labcorp Genetics (formerly Invitae), Labcorp); PubMed 10205261 (cited by Labcorp Genetics (formerly Invitae), Labcorp); PubMed 17304050 (cited by Labcorp Genetics (formerly Invitae), Labcorp).